The following is an entry in ClinVar:

ClinVar aggregate classification (germline): Likely benign (0 of 4 stars; one submission).

Conditions:
MANF-related disorder. Also called: MANF-related condition.

Submission:

PreventionGenetics, part of Exact Sciences
Classification: Likely benign for MANF-related condition. Last evaluated: 2019-09-26. Review status: no assertion criteria provided. Collection method: clinical testing. Allele origin: germline.
Comment: This variant is classified as likely benign based on ACMG/AMP sequence variant interpretation guidelines (Richards et al. 2015 PMID: 25741868, with internal and published modifications).

NM_006010.6(MANF):c.-15AGGAGGATG[2] (p.Arg2_Met4del)

Genes: MANF (mesencephalic astrocyte derived neurotrophic factor; plus strand), LOC129936816 (ATAC-STARR-seq lymphoblastoid silent region 14408; plus strand). Cytogenetic location: 3p21.2.
Variant type: Microsatellite.
Coding change: c.-15AGGAGGATG[2] on transcript NM_006010.6 (MANE Select); two copies in a row of the 9-base unit AGGAGGATG starting at c.-15; the reference has three copies in a row; one copy, 9 bases deleted.
Protein change: p.Arg2_Met4del.
Molecular consequence: initiator codon variant.
Genome position (GRCh38, 1-based): chr3:51,385,346-51,385,354, AGGAGGATG deleted; deleting any 9 consecutive bases within chr3:51,385,327-51,385,354 gives the same sequence; the position shown is the placement nearest the transcript's 3' end. VCF-style (leftmost placement, unchanged base first): chr3-51385326-GGAGGAGGAT-G. GRCh37 (hg19) VCF-style: chr3-51422741-CGGAGGAGGA-C.
Identifiers: ClinVar variation 3038854 (VCV003038854.2), dbSNP rs782289304, ClinGen allele CA908026103.